The following is an entry in ClinVar:

NM_002709.3(PPP1CB):c.627T>A (p.Asp209Glu)

Gene: PPP1CB (protein phosphatase 1 catalytic subunit beta; plus strand). Cytogenetic location: 2p23.2.
Variant type: single nucleotide variant.
Coding change: c.627T>A on transcript NM_002709.3 (MANE Select); coding-DNA position 627, T replaced by A.
Protein change: p.Asp209Glu; replaces aspartic acid 209 with glutamic acid.
Molecular consequence: missense variant.
Genome position (GRCh38, 1-based): chr2:28,788,692, T>A. VCF-style: chr2-28788692-T-A. GRCh37 (hg19) VCF-style: chr2-29011558-T-A.
Other names: c.627T>A, p.Asp209Glu (NM_206876.2); short protein forms D209E.
Identifiers: ClinVar variation 4759644 (VCV004759644.1).

ClinVar aggregate classification (germline): Uncertain significance (1 of 4 stars; one submission).

Submission:

Labcorp Genetics (formerly Invitae), Labcorp
Classification: Uncertain significance. Last evaluated: 2025-06-17. Review status: criteria provided, single submitter. Criteria: Invitae Variant Classification Sherloc (09022015). Collection method: clinical testing. Allele origin: germline.
Comment: This sequence change replaces aspartic acid, which is acidic and polar, with glutamic acid, which is acidic and polar, at codon 209 of the PPP1CB protein (p.Asp209Glu). This variant is not present in population databases (gnomAD no frequency). This variant has not been reported in the literature in individuals affected with PPP1CB-related conditions. Invitae Evidence Modeling of protein sequence and biophysical properties (such as structural, functional, and spatial information, amino acid conservation, physicochemical variation, residue mobility, and thermodynamic stability) indicates that this missense variant is not expected to disrupt PPP1CB protein function with a negative predictive value of 80%. In summary, the available evidence is currently insufficient to determine the role of this variant in disease. Therefore, it has been classified as a Variant of Uncertain Significance.